The following is an entry in ClinVar:

ClinVar aggregate classification (germline): Likely pathogenic. Review status: reviewed by expert panel (3 of 4 stars). 4 submissions from 4 submitters: Likely pathogenic (1). 3 of the submissions do not count toward it. Last evaluated 2026-11-19.

Conditions:
Hereditary breast ovarian cancer syndrome. Also called: Breast and ovarian cancer; Hereditary breast and ovarian cancer syndrome; BRCA1- and BRCA2-Associated Hereditary Breast and Ovarian Cancer; Hereditary breast and ovarian cancer; Hereditary breast and ovarian cancer syndrome (HBOC); Hereditary breast and/or ovarian cancer syndrome. Identifiers: Orphanet 145, MedGen C0677776, MeSH D061325, MONDO:0003582. Disease mechanism: loss of function.
BRCA2-related cancer predisposition. Identifiers: MedGen CN377758, MONDO:0700269.
Hereditary cancer-predisposing syndrome. Also called: Neoplastic Syndromes, Hereditary; Hereditary Cancer Syndrome; Tumor predisposition; Hereditary neoplastic syndrome. Identifiers: Orphanet 140162, MedGen C0027672, MeSH D009386, MONDO:0015356.

Submissions (4):

ClinGen ENIGMA BRCA1 and BRCA2 Variant Curation Expert Panel, ClinGen
Classification: Likely pathogenic for BRCA2-related cancer predisposition. Last evaluated: 2026-11-19. Review status: reviewed by expert panel. Criteria: CSpec BRCA1/2ACMG Rules Specifications V1.2. Collection method: curation. Allele origin: germline. Inheritance: Autosomal dominant inheritance.
Comment: The c.9217G>T variant in BRCA2 is a missense variant predicted to cause substitution of Aspartic acid by Tyrosine at amino acid 3073 (p.(Asp3073Tyr)). This variant is absent from gnomAD v4.1 (read depth ≥25x in >90% samples, PM2_Supporting met). This BRCA2 missense variant is within a key functional domain and a SpliceAI score of 0.06 predicts no impact on splicing (score threshold ≤0.1). The computational predictor BayesDel (noAF) gives a score of 0.34, above the recommended threshold of 0.30 for prediction of impact on BRCA2 function via protein change (PP3 met). Reported by two calibrated studies to exhibit protein function similar to pathogenic control variants (PMIDs: 38417439, 39779857). This variant is also reported in PMID 39779848, however in an updated table (pers. comm.), this variant is no longer listed and therefore PMID 39779848 was not considered (PS3 met). Multifactorial likelihood ratio analysis using clinically calibrated data produced a combined LR for this variant of 3.57 (based on Family History LR=3.57), within the thresholds for supporting evidence towards pathogenicity (LR ≥2.08 & <4.3) (PP4 met; PMID: 31853058). In summary, this variant meets the criteria to be classified as a Likely pathogenic variant for BRCA2-related cancer predisposition based on the ACMG/AMP criteria applied as specified by the ENIGMA BRCA1/2 VCEP (v1.2) (PM2_Supporting, PP3, PS3, PP4).

Color Diagnostics, LLC DBA Color Health
Classification: Uncertain significance for Hereditary cancer-predisposing syndrome. Last evaluated: 2023-02-09. Review status: criteria provided, single submitter. Criteria: ACMG Guidelines, 2015. Collection method: clinical testing. Allele origin: germline. Not counted in ClinVar's aggregate classification.
Comment: This missense variant replaces aspartic acid with tyrosine at codon 3073 of the BRCA2 protein. Computational prediction suggests that this variant may have deleterious impact on protein structure and function (internally defined REVEL score threshold >= 0.7, PMID: 27666373). A functional study has shown that this variant impacts homology-directed DNA repair activity (PMID: 33609447). To our knowledge, this variant has not been reported in individuals affected with BRCA2-related disorders in the literature. This variant has not been identified in the general population by the Genome Aggregation Database (gnomAD). The available evidence is insufficient to determine the role of this variant in disease conclusively. Therefore, this variant is classified as a Variant of Uncertain Significance.

Labcorp Genetics (formerly Invitae), Labcorp
Classification: Uncertain significance for Hereditary breast ovarian cancer syndrome. Last evaluated: 2022-06-27. Review status: criteria provided, single submitter. Criteria: Invitae Variant Classification Sherloc (09022015). Collection method: clinical testing. Allele origin: germline. Not counted in ClinVar's aggregate classification.
Comment: Experimental studies have shown that this missense change affects BRCA2 function (PMID: 33609447). In summary, the available evidence is currently insufficient to determine the role of this variant in disease. Therefore, it has been classified as a Variant of Uncertain Significance. ClinVar contains an entry for this variant (Variation ID: 229909). Advanced modeling of experimental studies (such as gene expression, population dynamics, functional pathways, and cell-cycle effects in cell culture) performed at Invitae indicates that this missense variant is expected to disrupt BRCA2 protein function. This variant has not been reported in the literature in individuals affected with BRCA2-related conditions. This variant is not present in population databases (gnomAD no frequency). This sequence change replaces aspartic acid, which is acidic and polar, with tyrosine, which is neutral and polar, at codon 3073 of the BRCA2 protein (p.Asp3073Tyr).

Ambry Genetics
Classification: Likely pathogenic for Hereditary cancer-predisposing syndrome. Last evaluated: 2022-01-18. Review status: criteria provided, single submitter. Criteria: Ambry Variant Classification Scheme 2023. Collection method: clinical testing. Allele origin: germline. Not counted in ClinVar's aggregate classification.
Comment: The p.D3073Y variant (also known as c.9217G>T), located in coding exon 23 of the BRCA2 gene, results from a G to T substitution at nucleotide position 9217. The aspartic acid at codon 3073 is replaced by tyrosine, an amino acid with highly dissimilar properties. This amino acid position is highly conserved in available vertebrate species. This alteration was non-functional in a homology directed DNA repair assay (Ambry internal data). This alteration is also predicted to destabilize the local structure and disrupt the protein binding ability of BRCA2 (Yang H et al. Science 2002 Sep;297:1837-48; Marston NJ et al. Mol. Cell. Biol. 1999 Jul;19:4633-42; Ambry internal data). In addition, this alteration is predicted to be deleterious by in silico analysis. Based on the majority of available evidence to date, this variant is likely to be pathogenic.

Literature cited by the submitters: PubMed 33609447 (cited by Color Diagnostics, LLC DBA Color Health and Labcorp Genetics (formerly Invitae), Labcorp).

NM_000059.4(BRCA2):c.9217G>T (p.Asp3073Tyr)

Gene: BRCA2 (BRCA2 DNA repair associated; plus strand). Cytogenetic location: 13q13.1.
Variant type: single nucleotide variant.
Coding change: c.9217G>T on transcript NM_000059.4 (MANE Select); coding-DNA position 9217, G replaced by T.
Protein change: p.Asp3073Tyr; replaces aspartic acid 3073 with tyrosine.
Molecular consequence: missense variant.
Genome position (GRCh38, 1-based): chr13:32,380,106, G>T. VCF-style: chr13-32380106-G-T. GRCh37 (hg19) VCF-style: chr13-32954243-G-T.
Other names: NM_000059.4(BRCA2):c.9217G>T; p.Asp3073Tyr; short protein forms D3073Y.
Identifiers: ClinVar variation 229909 (VCV000229909.16), dbSNP rs876658262, ClinGen allele CA10579818.